The following is an entry in ClinVar:

ClinVar aggregate classification (germline): Uncertain significance (1 of 4 stars; one submission).

Conditions:
Peroxisome biogenesis disorder. Identifiers: Orphanet 79189, MedGen C1832200, MONDO:0019234. Disease mechanism: loss of function.

Submission:

Labcorp Genetics (formerly Invitae), Labcorp
Classification: Uncertain significance for Peroxisome biogenesis disorder. Last evaluated: 2022-09-07. Review status: criteria provided, single submitter. Criteria: Invitae Variant Classification Sherloc (09022015). Collection method: clinical testing. Allele origin: germline.
Comment: This sequence change replaces lysine, which is basic and polar, with asparagine, which is neutral and polar, at codon 102 of the PEX16 protein (p.Lys102Asn). This variant is not present in population databases (gnomAD no frequency). In summary, the available evidence is currently insufficient to determine the role of this variant in disease. Therefore, it has been classified as a Variant of Uncertain Significance. Algorithms developed to predict the effect of missense changes on protein structure and function (SIFT, PolyPhen-2, Align-GVGD) all suggest that this variant is likely to be disruptive. ClinVar contains an entry for this variant (Variation ID: 1478476). This variant has not been reported in the literature in individuals affected with PEX16-related conditions.

NM_004813.4(PEX16):c.306G>C (p.Lys102Asn)

Gene: PEX16 (peroxisomal biogenesis factor 16; minus strand). Cytogenetic location: 11p11.2.
Variant type: single nucleotide variant.
Coding change: c.306G>C on transcript NM_004813.4 (MANE Select); coding-DNA position 306, G replaced by C.
Protein change: p.Lys102Asn; replaces lysine 102 with asparagine.
Molecular consequence: missense variant.
Genome position (GRCh38, 1-based): chr11:45,915,756, C>G on the plus strand (G>C on the coding strand, the complement: PEX16 is on the minus strand). VCF-style: chr11-45915756-C-G. GRCh37 (hg19) VCF-style: chr11-45937307-C-G.
Other names: c.306G>C, p.Lys102Asn (NM_057174.3); short protein forms K102N.
Identifiers: ClinVar variation 1478476 (VCV001478476.6), dbSNP rs2134696027, ClinGen allele CA380228520.
Genomic context (GRCh38, chr11:45,915,756, plus strand): 5'-AACCTACTTGGCCAGCTGGACGAGGGCGATGACAAGCCAGCGGCCCACTTCACCCCACAC[C>G]TTGGCAGCTCCCATCTCCATGAACACCTCCACGCACTCCAGCACGCTCAGCCATGTCAGC-3'
Protein context (NP_004804.2, residues 92-112): VEVFMEMGAA[Lys102Asn]VWGEVGRWLV